The following is an entry in ClinVar:

ClinVar aggregate classification (germline): Conflicting classifications of pathogenicity. Review status: criteria provided, conflicting classifications (1 of 4 stars). 10 submissions from 10 submitters: Pathogenic (3); Likely pathogenic (5); Uncertain significance (1). 1 of the submissions does not count toward it. Last evaluated 2026-08-10.

Conditions:
VCP-related disorder. Also called: VCP-related disorders; VCP-related condition.
Inclusion body myopathy with Paget disease of bone and frontotemporal dementia. Also called: Inclusion body myopathy with early-onset Paget disease and frontotemporal dementia. Identifiers: Orphanet 52430, MedGen C1833662, MONDO:0000507.
Frontotemporal dementia and/or amyotrophic lateral sclerosis 6 (FTDALS6). Also called: VCP-Related Amyotrophic Lateral Sclerosis/Frontotemporal Dementia; VCP-Related Amyotrophic Lateral Sclerosis. Identifiers: Orphanet 275872, Orphanet 803, MedGen C5436279, MONDO:0013501, OMIM 613954.
Spastic paraplegia. Identifiers: MedGen C0037772, HP:0001258.
Inborn genetic diseases. Identifiers: MedGen C0950123, MeSH D030342.
Amyotrophic lateral sclerosis (ALS). Also called: Charcot disease; Lou Gehrig disease. Identifiers: Orphanet 803, MedGen C0002736, MONDO:0004976, HP:0007354.
Inclusion body myopathy with Paget disease of bone and frontotemporal dementia type 1. Also called: Inclusion body myopathy with early-onset Paget disease and frontotemporal dementia 1; MULTISYSTEM PROTEINOPATHY 1; Inclusion body myopathy with early-onset Paget disease with or without frontotemporal dementia 1. Identifiers: MedGen C4551951, MONDO:0008178, OMIM 167320.

Allele frequency attached by ClinVar (database versions not stated): gnomAD exomes below 0.00001 and 0.00001; TOPMed below 0.00001.
gnomAD v4.1: 3 of 1,614,160 alleles (0.00019%); highest among the groups gnomAD compares: African/African-American, 0.0027%; no homozygotes.

Submissions (10):

GeneDx
Classification: Likely pathogenic. Last evaluated: 2026-08-10. Review status: criteria provided, single submitter. Criteria: GeneDx Variant Classification Process June 2021. Collection method: clinical testing. Allele origin: germline.
Comment: Published functional studies suggest a damaging effect, specifically increased ATPase activity and increased accumulation of atophagic substrates (PMID: 25617006); Not observed at significant frequency in large population cohorts (gnomAD); In silico analysis supports that this missense variant has a deleterious effect on protein structure/function; This variant is associated with the following publications: (PMID: 22909335, 20410287, 27312024, 23333620, 20604808, 18845250, 21387114, 22579784, 24167726, 21892620, 21222596, 32579787, 37273706, 36964972, 30279455, 29342275, 33726816, 34983064, 40225153, 33144514, 25617006, 34162492)

Labcorp Genetics (formerly Invitae), Labcorp
Classification: Pathogenic for Inclusion body myopathy with Paget disease of bone and frontotemporal dementia; Frontotemporal dementia and/or amyotrophic lateral sclerosis 6. Last evaluated: 2025-10-22. Review status: criteria provided, single submitter. Criteria: Invitae Variant Classification Sherloc (09022015). Collection method: clinical testing. Allele origin: germline.
Comment: This sequence change replaces arginine, which is basic and polar, with cysteine, which is neutral and slightly polar, at codon 95 of the VCP protein (p.Arg95Cys). This variant is present in population databases (rs121909332, gnomAD 0.0009%). This missense change has been observed in individuals with clinical features of VCP-related conditions (PMID: 25617006; internal data). It has also been observed to segregate with disease in related individuals. ClinVar contains an entry for this variant (Variation ID: 280124). Invitae Evidence Modeling of protein sequence and biophysical properties (such as structural, functional, and spatial information, amino acid conservation, physicochemical variation, residue mobility, and thermodynamic stability) indicates that this missense variant is expected to disrupt VCP protein function with a positive predictive value of 95%. Experimental studies have shown that this missense change affects VCP function (PMID: 25617006). This variant disrupts the p.Arg95 amino acid residue in VCP. Other variant(s) that disrupt this residue have been determined to be pathogenic (PMID: 15034582, 20604808, 22270372, 22909335, 23333620). This suggests that this residue is clinically significant, and that variants that disrupt this residue are likely to be disease-causing. For these reasons, this variant has been classified as Pathogenic.

Revvity Omics, Revvity
Classification: Likely pathogenic. Last evaluated: 2025-01-26. Review status: criteria provided, single submitter. Criteria: ACMG Guidelines, 2015. Collection method: clinical testing. Allele origin: germline.

Institute of Medical Genetics and Applied Genomics, University Hospital Tübingen
Classification: Likely pathogenic for Frontotemporal dementia and/or amyotrophic lateral sclerosis 6. Last evaluated: 2024-05-29. Review status: criteria provided, single submitter. Criteria: ACMG Guidelines, 2015. Collection method: clinical testing. Allele origin: germline. Inheritance: Autosomal dominant inheritance. Affected: yes.

CeGaT Center for Human Genetics Tuebingen
Classification: Pathogenic. Last evaluated: 2022-01-01. Review status: criteria provided, single submitter. Criteria: CeGaT Center For Human Genetics Tuebingen Variant Classification Criteria Version 2. Collection method: clinical testing. Allele origin: germline. Affected: yes. Observed: 1 variant allele.

Ambry Genetics
Classification: Uncertain significance for Inborn genetic diseases. Last evaluated: 2021-11-03. Review status: criteria provided, single submitter. Criteria: Ambry Variant Classification Scheme 2023. Collection method: clinical testing. Allele origin: germline.
Comment: The p.R95C variant (also known as c.283C>T), located in coding exon 3 of the VCP gene, results from a C to T substitution at nucleotide position 283. The arginine at codon 95 is replaced by cysteine, an amino acid with highly dissimilar properties. This variant has been detected in families with VCP-related disorders, including inclusive body myopathy with Paget disease and frontotemporal dementia (IBMPFD) and peripheral neuropathy with progressive muscle pain (Kimonis VE et al. Biochim Biophys Acta, 2008 Dec;1782:744-8; Weihl CC et al. Neuromuscul Disord, 2015 Apr;25:289-96; Senderek J et al. Neurology, 2020 12;95:e3163-e3179). Another alteration at the same codon, p.R95G (c.283C>G), has been described in a family with IBMPFD and may impact protein function (Watts GD et al. Nat Genet, 2004 Apr;36:377-81; Weihl CC et al. Hum Mol Genet, 2006 Jan;15:189-99; Erzurumlu Y et al. Int J Biochem Cell Biol, 2013 Apr;45:773-82; Niwa H et al. J Biol Chem, 2012 Mar;287:8561-70). This amino acid position is not well conserved in available vertebrate species. In addition, the in silico prediction for this alteration is inconclusive. Since supporting evidence is limited at this time, the clinical significance of this alteration remains unclear.

Suna and Inan Kirac Foundation Neurodegeneration Research Laboratory, Koc University
Classification: Likely pathogenic for Amyotrophic lateral sclerosis. Last evaluated: 2020-03-31. Review status: criteria provided, single submitter. Criteria: ACMG Guidelines, 2015. Collection method: research. Allele origin: germline. Affected: yes. Observed: 1 variant allele.

Molecular Diagnostics Laboratory, M Health Fairview: University of Minnesota
Classification: Likely pathogenic for Inclusion body myopathy with Paget disease of bone and frontotemporal dementia type 1. Last evaluated: 2016-05-26. Review status: criteria provided, single submitter. Criteria: ACMG Guidelines, 2015. Collection method: clinical testing. Allele origin: germline. Affected: yes. Observed: 1 variant allele.

Paris Brain Institute, Inserm - ICM
Classification: Pathogenic for Spastic paraplegia. Review status: criteria provided, single submitter. Criteria: ACMG Guidelines, 2015. Collection method: clinical testing. Allele origin: unknown. Affected: yes. Observed: 1 variant allele.

PreventionGenetics, part of Exact Sciences
Classification: Likely pathogenic for VCP-related condition. Last evaluated: 2024-07-11. Review status: no assertion criteria provided. Collection method: clinical testing. Allele origin: germline. Not counted in ClinVar's aggregate classification.
Comment: The VCP c.283C>T variant is predicted to result in the amino acid substitution p.Arg95Cys. This variant has been reported in patients with inclusion body myopathy or frontotemporal dementia (Kimonis et al. 2008. PubMed ID: 18845250; Weihl et al. 2015. PubMed ID: 25617006; Artan et al. 2021. PubMed ID: 34162492). Enzymatic studies showed this variant enhanced VCP activity and in vitro expression studies showed this variant increased autophagy (Weihl et al. 2015. PubMed ID: 25617006). A different missense change at the same amino acid position (p.Arg95Gly) has previously been reported to be causative for inclusion body myopathy (Mehta et al. 2012. PubMed ID: 22909335). This variant is reported in 0.00088% of alleles in individuals of European (Non-Finnish) descent in gnomAD. This variant is interpreted as likely pathogenic.

Literature cited by the submitters: PubMed 25617006 (cited by 3 submitters); PubMed 15034582 (cited by Labcorp Genetics (formerly Invitae), Labcorp); PubMed 20604808 (cited by Labcorp Genetics (formerly Invitae), Labcorp); PubMed 22270372 (cited by Labcorp Genetics (formerly Invitae), Labcorp); PubMed 22909335 (cited by Labcorp Genetics (formerly Invitae), Labcorp); PubMed 23333620 (cited by Labcorp Genetics (formerly Invitae), Labcorp and Ambry Genetics); PubMed 18845250 (cited by Ambry Genetics); PubMed 33144514 (cited by Ambry Genetics).

NM_007126.5(VCP):c.283C>T (p.Arg95Cys)

Gene: VCP (valosin containing protein; minus strand). Cytogenetic location: 9p13.3.
Variant type: single nucleotide variant.
Coding change: c.283C>T on transcript NM_007126.5 (MANE Select); coding-DNA position 283, C replaced by T.
Protein change: p.Arg95Cys; replaces arginine 95 with cysteine.
Molecular consequence: missense variant.
Genome position (GRCh38, 1-based): chr9:35,067,910, G>A on the plus strand (C>T on the coding strand, the complement: VCP is on the minus strand). VCF-style: chr9-35067910-G-A. GRCh37 (hg19) VCF-style: chr9-35067907-G-A.
Other names: c.148C>T, p.Arg50Cys (NM_001354927.2, NM_001354928.2); short protein forms R95C, R50C.
Identifiers: ClinVar variation 280124 (VCV000280124.53), dbSNP rs121909332, ClinGen allele CA10603200.